The following is an entry in ClinVar:

NM_001130438.3(SPTAN1):c.4936C>T (p.Gln1646Ter)

Gene: SPTAN1 (spectrin alpha, non-erythrocytic 1; plus strand). Cytogenetic location: 9q34.11.
Variant type: single nucleotide variant.
Coding change: c.4936C>T on transcript NM_001130438.3 (MANE Select); coding-DNA position 4936, C replaced by T.
Protein change: p.Gln1646Ter; replaces glutamine 1646 with a stop codon.
Molecular consequence: nonsense.
Genome position (GRCh38, 1-based): chr9:128,612,139, C>T. VCF-style: chr9-128612139-C-T. GRCh37 (hg19) VCF-style: chr9-131374418-C-T.
Other names: c.4861C>T, p.Gln1621Ter (NM_001195532.2); c.4936C>T, p.Gln1646Ter (NM_001363759.2, NM_001375310.1, NM_001375311.2 and 1 more transcripts); c.4876C>T, p.Gln1626Ter (NM_001363765.2, NM_001375314.2); c.4972C>T, p.Gln1658Ter (NM_001375312.2, NM_001375318.1); c.4921C>T, p.Gln1641Ter (NM_003127.4); short protein forms Q1621*, Q1626*, Q1641*, Q1646*, Q1658*.
Identifiers: ClinVar variation 976410 (VCV000976410.4), dbSNP rs1856640613, ClinGen allele CA375070951.

ClinVar aggregate classification (germline): Pathogenic (1 of 4 stars; one submission).

Conditions:
Developmental and epileptic encephalopathy, 5 (DEE5). Identifiers: Orphanet 3451, MedGen C3150731, MONDO:0013277, OMIM 613477.

Submission:

Institute of Human Genetics, University of Leipzig Medical Center
Classification: Pathogenic for Developmental and epileptic encephalopathy, 5. Last evaluated: 2022-12-06. Review status: criteria provided, single submitter. Criteria: ACMG Guidelines, 2015. Collection method: clinical testing. Allele origin: de novo. Inheritance: Autosomal dominant inheritance. Affected: yes.
Comment: Criteria applied: PVS1, PS2_MOD, PM2_SUP